The following is an entry in ClinVar:

ClinVar aggregate classification (germline): Pathogenic. Review status: reviewed by expert panel (3 of 4 stars). 3 submissions from 3 submitters: Pathogenic (1). 2 of the submissions do not count toward it. Last evaluated 2016-09-08.

Conditions:
Hereditary cancer-predisposing syndrome. Also called: Hereditary Cancer Syndrome; Hereditary neoplastic syndrome; Neoplastic Syndromes, Hereditary; Tumor predisposition. Identifiers: Orphanet 140162, MedGen C0027672, MeSH D009386, MONDO:0015356.
Breast-ovarian cancer, familial, susceptibility to, 2 (BROVCA2). Also called: BRCA2 Hereditary Breast and Ovarian Cancer. Identifiers: Orphanet 145, MedGen C2675520, MONDO:0012933, OMIM 612555. Disease mechanism: loss of function.

Submissions (3):

Evidence-based Network for the Interpretation of Germline Mutant Alleles (ENIGMA)
Classification: Pathogenic for Breast-ovarian cancer, familial, susceptibility to, 2. Last evaluated: 2016-09-08. Review status: reviewed by expert panel. Criteria: ENIGMA BRCA1/2 Classification Criteria (2015). Collection method: curation. Allele origin: germline.
Comment: Variant allele predicted to encode a truncated non-functional protein.

Ambry Genetics
Classification: Pathogenic for Hereditary cancer-predisposing syndrome. Last evaluated: 2026-02-13. Review status: criteria provided, single submitter. Criteria: Ambry Variant Classification Scheme 2023. Collection method: clinical testing. Allele origin: germline. Not counted in ClinVar's aggregate classification.
Comment: The c.7889_7890dupAA pathogenic mutation, located in coding exon 16 of the BRCA2 gene, results from a duplication of AA at nucleotide position 7889, causing a translational frameshift with a predicted alternate stop codon (p.L2631Nfs*18). This variant is considered to be rare based on population cohorts in the Genome Aggregation Database (gnomAD). This variant is expected to result in loss of function by premature protein truncation or nonsense-mediated mRNA decay. As such, this variant is interpreted as a disease-causing mutation.

Sharing Clinical Reports Project (SCRP)
Classification: Pathogenic for Breast-ovarian cancer, familial 2. Last evaluated: 2010-02-12. Review status: no assertion criteria provided. Collection method: clinical testing. Allele origin: germline. Not counted in ClinVar's aggregate classification.

NM_000059.4(BRCA2):c.7889_7890dup (p.Leu2631fs)

Gene: BRCA2 (BRCA2 DNA repair associated; plus strand). Cytogenetic location: 13q13.1.
Variant type: Duplication.
Coding change: c.7889_7890dup on transcript NM_000059.4 (MANE Select); coding-DNA positions 7889 to 7890, 2 bases duplicated (AA; older notation c.7889_7890dupAA).
Protein change: p.Leu2631fs; shifts the reading frame from leucine 2631.
Molecular consequence: frameshift variant.
Genome position (GRCh38, 1-based): chr13:32,362,606-32,362,607, AA duplicated; duplicating any 2 consecutive bases within chr13:32,362,605-32,362,607 gives the same sequence; the c. name uses the placement nearest the transcript's 3' end. VCF-style (leftmost placement, unchanged base first): chr13-32362604-G-GAA. GRCh37 (hg19) VCF-style: chr13-32936741-G-GAA.
Other names: 8118insAA; c.7889_7890dupAA (NM_000059.3); short protein forms L2631fs.
Identifiers: ClinVar variation 91497 (VCV000091497.5), dbSNP rs398122593, ClinGen allele CA025324.